The following is an entry in ClinVar:

NM_000297.4(PKD2):c.1342A>G (p.Thr448Ala)

Gene: PKD2 (polycystin 2, transient receptor potential cation channel; plus strand). Cytogenetic location: 4q22.1.
Variant type: single nucleotide variant.
Coding change: c.1342A>G on transcript NM_000297.4 (MANE Select); coding-DNA position 1342, A replaced by G.
Protein change: p.Thr448Ala; replaces threonine 448 with alanine.
Molecular consequence: missense variant. On other transcripts: non-coding transcript variant (1).
Genome position (GRCh38, 1-based): chr4:88,046,664, A>G. VCF-style: chr4-88046664-A-G. GRCh37 (hg19) VCF-style: chr4-88967816-A-G.
Other names: short protein forms T448A.
Identifiers: ClinVar variation 1396437 (VCV001396437.6), dbSNP rs745700907, ClinGen allele CA357618491.

ClinVar aggregate classification (germline): Uncertain significance (1 of 4 stars; one submission).

Conditions:
Autosomal dominant polycystic kidney disease. Identifiers: Orphanet 730, MedGen C0085413, MONDO:0004691.

Submission:

Labcorp Genetics (formerly Invitae), Labcorp
Classification: Uncertain significance for Autosomal dominant polycystic kidney disease. Last evaluated: 2021-12-06. Review status: criteria provided, single submitter. Criteria: Invitae Variant Classification Sherloc (09022015). Collection method: clinical testing. Allele origin: germline.
Comment: Algorithms developed to predict the effect of sequence changes on RNA splicing suggest that this variant may create or strengthen a splice site. In summary, the available evidence is currently insufficient to determine the role of this variant in disease. Therefore, it has been classified as a Variant of Uncertain Significance. Algorithms developed to predict the effect of missense changes on protein structure and function are either unavailable or do not agree on the potential impact of this missense change (SIFT: "Deleterious"; PolyPhen-2: "Probably Damaging"; Align-GVGD: "Class C0"). This variant has not been reported in the literature in individuals affected with PKD2-related conditions. This variant is not present in population databases (gnomAD no frequency). This sequence change replaces threonine, which is neutral and polar, with alanine, which is neutral and non-polar, at codon 448 of the PKD2 protein (p.Thr448Ala).